The following is an entry in ClinVar:

ClinVar aggregate classification (germline): Likely benign. Review status: criteria provided, multiple submitters, no conflicts (2 of 4 stars). 7 submissions from 7 submitters: Likely benign (6). 1 of the submissions does not count toward it. Last evaluated 2025-10-22.

Conditions:
Loeys-Dietz syndrome 2 (LDS2). Also called: Marfan Syndrome type 2; Marfan like connective tissue disorder; MFS 2; TGFBR2-Related Loeys-Dietz Syndrome; AORTIC ANEURYSM, FAMILIAL THORACIC 3; MARFAN SYNDROME, TYPE II. Identifiers: Orphanet 284973, Orphanet 558, MedGen C2674574, MONDO:0012427, OMIM 610168.
TGFBR2-related disorder. Also called: TGFBR2-related condition.
Familial thoracic aortic aneurysm and aortic dissection (TAAD). Also called: Thoracic aortic aneurysms and dissections. Identifiers: Orphanet 91387, MedGen C4707243, MONDO:0019625.

Allele frequency attached by ClinVar (database versions not stated): gnomAD exomes below 0.00001 and 0.00002; ExAC 0.00002; gnomAD 0.00002 and 0.00003; TOPMed 0.00003; ESP Exome Variant Server 0.00008.
gnomAD v4.1: 15 of 1,614,120 alleles (0.00093%); highest among the groups gnomAD compares: African/African-American, 0.008%; no homozygotes.

Submissions (7):

Labcorp Genetics (formerly Invitae), Labcorp
Classification: Likely benign for Familial thoracic aortic aneurysm and aortic dissection. Last evaluated: 2025-10-22. Review status: criteria provided, single submitter. Criteria: Invitae Variant Classification Sherloc (09022015). Collection method: clinical testing. Allele origin: germline.

All of Us Research Program, National Institutes of Health
Classification: Likely benign for Loeys-Dietz syndrome 2. Last evaluated: 2024-09-11. Review status: criteria provided, single submitter. Criteria: ACMG Guidelines, 2015. Collection method: clinical testing. Allele origin: germline. Inheritance: Autosomal dominant inheritance. Observed: 9 variant alleles, 9 heterozygotes.
Comment: This study involves interpretation of variants in research participants for the purpose of population health screening. Participant phenotype was not available at the time of variant classification. Additional details can be found in publication PMID: 35346344, PMCID: PMC8962531

Blueprint Genetics
Classification: Likely benign. Last evaluated: 2024-04-12. Review status: criteria provided, single submitter. Criteria: ACMG Guidelines, 2015. Collection method: clinical testing. Allele origin: germline.

Ambry Genetics
Classification: Likely benign for Familial thoracic aortic aneurysm and aortic dissection. Last evaluated: 2022-03-04. Review status: criteria provided, single submitter. Criteria: Ambry Variant Classification Scheme 2023. Collection method: clinical testing. Allele origin: germline.

Color Diagnostics, LLC DBA Color Health
Classification: Likely benign for Familial thoracic aortic aneurysm and aortic dissection. Last evaluated: 2018-09-28. Review status: criteria provided, single submitter. Criteria: ACMG Guidelines, 2015. Collection method: clinical testing. Allele origin: germline.

CHEO Genetics Diagnostic Laboratory, Children's Hospital of Eastern Ontario
Classification: Likely benign for Familial thoracic aortic aneurysm and aortic dissection. Last evaluated: 2016-08-31. Review status: criteria provided, single submitter. Criteria: ACMG Guidelines, 2015. Collection method: clinical testing. Allele origin: germline. Study: Canadian Open Genetics Repository.

PreventionGenetics, part of Exact Sciences
Classification: Likely benign for TGFBR2-related condition. Last evaluated: 2021-12-20. Review status: no assertion criteria provided. Collection method: clinical testing. Allele origin: germline. Not counted in ClinVar's aggregate classification.
Comment: This variant is classified as likely benign based on ACMG/AMP sequence variant interpretation guidelines (Richards et al. 2015 PMID: 25741868, with internal and published modifications).

NM_003242.6(TGFBR2):c.708C>T (p.Asn236=)

Gene: TGFBR2 (transforming growth factor beta receptor 2; plus strand). Cytogenetic location: 3p24.1.
Variant type: single nucleotide variant.
Coding change: c.708C>T on transcript NM_003242.6 (MANE Select); coding-DNA position 708, C replaced by T.
Protein change: p.Asn236=; no amino-acid change (asparagine 236 retained).
Molecular consequence: synonymous variant. On other transcripts: intron variant (1).
Genome position (GRCh38, 1-based): chr3:30,671,891, C>T. VCF-style: chr3-30671891-C-T. GRCh37 (hg19) VCF-style: chr3-30713383-C-T.
Other names: c.783C>T, p.Asn261= (NM_001024847.3); c.891C>T, p.Asn297= (NM_001407126.1); c.816C>T, p.Asn272= (NM_001407127.1); c.735C>T, p.Asn245= (NM_001407128.1); c.711C>T, p.Asn237= (NM_001407129.1); c.708C>T, p.Asn236= (NM_001407130.1); c.603C>T, p.Asn201= (NM_001407132.1, NM_001407133.1, NM_001407134.1 and 2 more transcripts); c.423C>T, p.Asn141= (NM_001407137.1); and 2 more.
Identifiers: ClinVar variation 626768 (VCV000626768.19), dbSNP rs141554621, ClinGen allele CA049742.